The following is an entry in ClinVar:

NM_001283009.2(RTEL1):c.3720_3732del (p.Gly1241fs)

Genes: RTEL1 (regulator of telomere elongation helicase 1; plus strand), RTEL1-TNFRSF6B (RTEL1-TNFRSF6B readthrough (NMD candidate); plus strand). Cytogenetic location: 20q13.33.
Variant type: Deletion.
Coding change: c.3720_3732del on transcript NM_001283009.2 (MANE Select); coding-DNA positions 3720 to 3732, 13 bases deleted (AGGCTGTGTGTGC).
Protein change: p.Gly1241fs; shifts the reading frame from glycine 1241.
Molecular consequence: frameshift variant. On other transcripts: non-coding transcript variant (1), intron variant (3).
Genome position (GRCh38, 1-based): chr20:63,695,548-63,695,560, AGGCTGTGTGTGC deleted; deleting any 13 consecutive bases within chr20:63,695,546-63,695,560 gives the same sequence; the c. name uses the placement nearest the transcript's 3' end. VCF-style (leftmost placement, unchanged base first): chr20-63695545-AGCAGGCTGTGTGT-A. GRCh37 (hg19) VCF-style: chr20-62326898-AGCAGGCTGTGTGT-A.
Other names: c.2983+68_2983+80del (NM_001283010.1); c.3724+68_3724+80del (NM_032957.5); c.3652+68_3652+80del (NM_016434.4); short protein forms G1241fs.
Identifiers: ClinVar variation 4081780 (VCV004081780.1).

ClinVar aggregate classification (germline): Pathogenic (1 of 4 stars; one submission).

Conditions:
Dyskeratosis congenita, autosomal recessive 5 (DKCB5). Identifiers: MedGen C3554656, MONDO:0014076, OMIM 615190.

Submission:

Myriad Genetics, Inc.
Classification: Pathogenic for Dyskeratosis congenita, autosomal recessive 5. Last evaluated: 2025-06-09. Review status: criteria provided, single submitter. Criteria: Myriad Autosomal Dominant, Autosomal Recessive and X-Linked Classification Criteria (2023). Collection method: clinical testing. Allele origin: unknown.
Comment: NM_001283009.1(RTEL1):c.3720_3732del13(G1241Rfs*119) is a frameshift variant that results in protein elongation classified as pathogenic in the context of RTEL1-related disorders. G1241Rfs*119 has not been observed in cases with relevant disease. Relevant functional assessments of this variant are not available in the literature. G1241Rfs*119 has not been observed in referenced population frequency databases. In summary, NM_001283009.1(RTEL1):c.3720_3732del13(G1241Rfs*119) is a frameshift variant that results in protein elongation in a gene where loss of function is a known mechanism of disease and is predicted to disrupt protein function. Please note: this variant was assessed in the context of healthy population screening.